The following is an entry in ClinVar:

ClinVar aggregate classification (germline): Likely pathogenic. Review status: criteria provided, multiple submitters, no conflicts (2 of 4 stars). 2 submissions from 2 submitters: Likely pathogenic (2). Last evaluated 2024-05-30.

Conditions:
Warsaw breakage syndrome (WABS). Also called: DDX11-Related Cohesinopathy. Identifiers: Orphanet 280558, MedGen C3150658, MONDO:0013252, OMIM 613398.

Allele frequency attached by ClinVar (database versions not stated): gnomAD 0.00006 and 0.00007; TOPMed 0.00006; gnomAD exomes 0.00007 and 0.00009; ExAC 0.00008.

Submissions (2):

Fulgent Genetics
Classification: Likely pathogenic for Warsaw breakage syndrome. Last evaluated: 2024-05-30. Review status: criteria provided, single submitter. Criteria: ACMG Guidelines, 2015. Collection method: clinical testing. Allele origin: germline.

GeneDx
Classification: Likely pathogenic. Last evaluated: 2024-02-16. Review status: criteria provided, single submitter. Criteria: GeneDx Variant Classification Process June 2021. Collection method: clinical testing. Allele origin: germline. Affected: yes.
Comment: Frameshift variant predicted to result in abnormal protein length as the last 27 amino acids are replaced with 93 different amino acids; This variant is associated with the following publications: (PMID: 30214071, 30216658)

NM_030653.4(DDX11):c.2638dup (p.Ala880fs)

Gene: DDX11 (DEAD/H-box helicase 11; plus strand). Cytogenetic location: 12p11.21.
Variant type: Duplication.
Coding change: c.2638dup on transcript NM_030653.4 (MANE Select); coding-DNA position 2638, one base duplicated (G; older notation c.2638dupG).
Protein change: p.Ala880fs; shifts the reading frame from alanine 880.
Molecular consequence: frameshift variant.
Genome position (GRCh38, 1-based): chr12:31,103,678, G duplicated. VCF-style (leftmost placement, unchanged base first): chr12-31103677-A-AG. GRCh37 (hg19) VCF-style: chr12-31256611-A-AG.
Other names: c.2633dup, p.Ser878fs (NM_001257144.2, NM_152438.2); c.2560dup, p.Ala854fs (NM_001257145.2); c.2488dup, p.Ala830fs (NM_004399.3); c.2638dupG (NM_030653.3); c.2638dup (NM_030653.3); short protein forms A830fs, A854fs, A880fs, S878fs.
Identifiers: ClinVar variation 1194119 (VCV001194119.4), dbSNP rs774867268, ClinGen allele CA6501931.
Genomic context (GRCh38, chr12:31,103,677, plus strand): 5'-GCTCCTGGACCAGCGATATGCCCGGCCCCCTGTCCTGGCCAAGCTGCCGGCCTGGATCCG[A>AG]GCCCGTGTGGAGGTCAAAGCTACCTTTGGCCCCGCCATTGCTGCTGTGCAGAAGGTCAGT-3'